The following is an entry in ClinVar:

NM_007255.3(B4GALT7):c.872A>G (p.Lys291Arg)

Gene: B4GALT7 (beta-1,4-galactosyltransferase 7; plus strand). Cytogenetic location: 5q35.3.
Variant type: single nucleotide variant.
Coding change: c.872A>G on transcript NM_007255.3 (MANE Select); coding-DNA position 872, A replaced by G.
Protein change: p.Lys291Arg; replaces lysine 291 with arginine.
Molecular consequence: missense variant.
Genome position (GRCh38, 1-based): chr5:177,609,583, A>G. VCF-style: chr5-177609583-A-G. GRCh37 (hg19) VCF-style: chr5-177036584-A-G.
Other names: short protein forms K291R.
Identifiers: ClinVar variation 1181325 (VCV001181325.6), dbSNP rs751742436, ClinGen allele CA3586724.
Genomic context (GRCh38, chr5:177,609,583, plus strand): 5'-CCTCTCTTCCTCCCCAGGAGCAGTTCAAGGTGGACAGGGAGGGAGGCCTGAACACTGTGA[A>G]GTACCATGTGGCTTCCCGCACTGCCCTGTCTGTGGGCGGGGCCCCCTGCACTGTCCTCAA-3'
Protein context (NP_009186.1, residues 281-301): VDREGGLNTV[Lys291Arg]YHVASRTALS

ClinVar aggregate classification (germline): Uncertain significance. Review status: criteria provided, multiple submitters, no conflicts (2 of 4 stars). 3 submissions from 3 submitters: Uncertain significance (3). Last evaluated 2026-08-23.

Conditions:
Spondylodysplastic Ehlers-Danlos syndrome. Identifiers: Orphanet 536471, Orphanet 75496, MedGen C5680154, MONDO:0007526.
Inborn genetic diseases. Identifiers: MedGen C0950123, MeSH D030342.

Allele frequency attached by ClinVar (database versions not stated): ExAC 0.00001; gnomAD exomes 0.00002; gnomAD 0.00006.
gnomAD v4.1: 39 of 1,613,758 alleles (0.0024%); highest among the groups gnomAD compares: Non-Finnish European, 0.003%; no homozygotes.

Submissions (3):

GeneDx
Classification: Uncertain significance. Last evaluated: 2026-08-23. Review status: criteria provided, single submitter. Criteria: GeneDx Variant Classification Process June 2021. Collection method: clinical testing. Allele origin: germline.
Comment: Not observed at significant frequency in large population cohorts (gnomAD); In silico analysis suggests that this missense variant does not alter protein structure/function; Has not been previously published as pathogenic or benign to our knowledge

Ambry Genetics
Classification: Uncertain significance for Inborn genetic diseases. Last evaluated: 2025-05-19. Review status: criteria provided, single submitter. Criteria: Ambry Variant Classification Scheme 2023. Collection method: clinical testing. Allele origin: germline.

Labcorp Genetics (formerly Invitae), Labcorp
Classification: Uncertain significance for Spondylodysplastic Ehlers-Danlos syndrome. Last evaluated: 2022-07-17. Review status: criteria provided, single submitter. Criteria: Invitae Variant Classification Sherloc (09022015). Collection method: clinical testing. Allele origin: germline.
Comment: This sequence change replaces lysine, which is basic and polar, with arginine, which is basic and polar, at codon 291 of the B4GALT7 protein (p.Lys291Arg). This variant is present in population databases (rs751742436, gnomAD 0.003%). This variant has not been reported in the literature in individuals affected with B4GALT7-related conditions. ClinVar contains an entry for this variant (Variation ID: 1181325). Algorithms developed to predict the effect of missense changes on protein structure and function output the following: SIFT: "Tolerated"; PolyPhen-2: "Benign"; Align-GVGD: "Class C0". The arginine amino acid residue is found in multiple mammalian species, which suggests that this missense change does not adversely affect protein function. In summary, the available evidence is currently insufficient to determine the role of this variant in disease. Therefore, it has been classified as a Variant of Uncertain Significance.